The following is an entry in ClinVar:

ClinVar aggregate classification (germline): Uncertain significance (1 of 4 stars; one submission).

Conditions:
Combined oxidative phosphorylation defect type 17. Also called: Combined oxidative phosphorylation deficiency 17. Identifiers: Orphanet 369913, MedGen C3809526, MONDO:0014190, OMIM 615440.

Submission:

Labcorp Genetics (formerly Invitae), Labcorp
Classification: Uncertain significance for Combined oxidative phosphorylation defect type 17. Last evaluated: 2021-10-08. Review status: criteria provided, single submitter. Criteria: Invitae Variant Classification Sherloc (09022015). Collection method: clinical testing. Allele origin: germline.
Comment: In summary, the available evidence is currently insufficient to determine the role of this variant in disease. Therefore, it has been classified as a Variant of Uncertain Significance. Algorithms developed to predict the effect of missense changes on protein structure and function (SIFT, PolyPhen-2, Align-GVGD) all suggest that this variant is likely to be tolerated. This variant has not been reported in the literature in individuals affected with ELAC2-related conditions. This variant is not present in population databases (ExAC no frequency). This sequence change replaces proline with serine at codon 737 of the ELAC2 protein (p.Pro737Ser). The proline residue is weakly conserved and there is a moderate physicochemical difference between proline and serine.

NM_018127.7(ELAC2):c.2209C>T (p.Pro737Ser)

Gene: ELAC2 (elaC ribonuclease Z 2; minus strand). Cytogenetic location: 17p12.
Variant type: single nucleotide variant.
Coding change: c.2209C>T on transcript NM_018127.7 (MANE Select); coding-DNA position 2209, C replaced by T.
Protein change: p.Pro737Ser; replaces proline 737 with serine.
Molecular consequence: missense variant.
Genome position (GRCh38, 1-based): chr17:12,993,731, G>A on the plus strand (C>T on the coding strand, the complement: ELAC2 is on the minus strand). VCF-style: chr17-12993731-G-A. GRCh37 (hg19) VCF-style: chr17-12897048-G-A.
Other names: c.2089C>T, p.Pro697Ser (NM_001165962.2); c.2206C>T, p.Pro736Ser (NM_173717.2); short protein forms P736S, P697S, P737S.
Identifiers: ClinVar variation 1500796 (VCV001500796.6), dbSNP rs2143547589, ClinGen allele CA398222570.